The following is an entry in ClinVar:

NM_000440.3(PDE6A):c.2249G>C (p.Arg750Pro)

Gene: PDE6A (phosphodiesterase 6A; minus strand). Cytogenetic location: 5q32.
Variant type: single nucleotide variant.
Coding change: c.2249G>C on transcript NM_000440.3 (MANE Select); coding-DNA position 2249, G replaced by C.
Protein change: p.Arg750Pro; replaces arginine 750 with proline.
Molecular consequence: missense variant.
Genome position (GRCh38, 1-based): chr5:149,867,750, C>G on the plus strand (G>C on the coding strand, the complement: PDE6A is on the minus strand). VCF-style: chr5-149867750-C-G. GRCh37 (hg19) VCF-style: chr5-149247313-C-G.
Other names: c.2006G>C, p.Arg669Pro (NM_001410788.1); short protein forms R669P, R750P.
Identifiers: ClinVar variation 1714458 (VCV001714458.5), dbSNP rs146145709, ClinGen allele CA3504353.

ClinVar aggregate classification (germline): Uncertain significance (1 of 4 stars; one submission).

Submission:

Labcorp Genetics (formerly Invitae), Labcorp
Classification: Uncertain significance. Last evaluated: 2022-08-22. Review status: criteria provided, single submitter. Criteria: Invitae Variant Classification Sherloc (09022015). Collection method: clinical testing. Allele origin: germline.
Comment: In summary, the available evidence is currently insufficient to determine the role of this variant in disease. Therefore, it has been classified as a Variant of Uncertain Significance. Algorithms developed to predict the effect of missense changes on protein structure and function are either unavailable or do not agree on the potential impact of this missense change (SIFT: "Deleterious"; PolyPhen-2: "Probably Damaging"; Align-GVGD: "Class C0"). This variant has not been reported in the literature in individuals affected with PDE6A-related conditions. The frequency data for this variant in the population databases is considered unreliable, as metrics indicate poor data quality at this position in the gnomAD database. This sequence change replaces arginine, which is basic and polar, with proline, which is neutral and non-polar, at codon 750 of the PDE6A protein (p.Arg750Pro).